The following is an entry in ClinVar:

NM_001048174.2(MUTYH):c.676A>T (p.Ser226Cys)

Gene: MUTYH (mutY DNA glycosylase; minus strand). Cytogenetic location: 1p34.1.
Variant type: single nucleotide variant.
Coding change: c.676A>T on transcript NM_001048174.2 (MANE Select); coding-DNA position 676, A replaced by T.
Protein change: p.Ser226Cys; replaces serine 226 with cysteine.
Molecular consequence: missense variant. On other transcripts: non-coding transcript variant (7).
Genome position (GRCh38, 1-based): chr1:45,332,419, T>A on the plus strand (A>T on the coding strand, the complement: MUTYH is on the minus strand). VCF-style: chr1-45332419-T-A. GRCh37 (hg19) VCF-style: chr1-45798091-T-A.
Other names: c.676A>T, p.Ser226Cys (NM_001048173.2, NM_001293195.2, NM_001407081.1 and 6 more transcripts); c.760A>T, p.Ser254Cys (NM_001128425.2); c.721A>T, p.Ser241Cys (NM_001293190.2); c.709A>T, p.Ser237Cys (NM_001293191.2, NM_001407069.1, NM_001407077.1); c.400A>T, p.Ser134Cys (NM_001293192.2, NM_001293196.2, NM_001407091.1); c.637A>T, p.Ser213Cys (NM_001407079.1); c.634A>T, p.Ser212Cys (NM_001407080.1); c.331A>T, p.Ser111Cys (NM_001407082.1, NM_001350650.2, NM_001350651.2); and 5 more; short protein forms S212C, S251C, S213C, S226C, S227C, S233C, S240C, S241C.
Identifiers: ClinVar variation 4113812 (VCV004113812.1).
Genomic context (GRCh38, chr1:45,332,419, plus strand): 5'-CCTGAAGCACCCTTGTTACCCCAACATCCTACCAGAGCTGCTGGGAAACAAGGGTGCTGC[T>A]GGGATCAGCACCAATGGCTCGGACACGGCACAGCACCCGTGCTACGTTGCCATCCACCAC-3'
Protein context (NP_001041639.1, residues 216-236): CRVRAIGADP[Ser226Cys]STLVSQQLWG

ClinVar aggregate classification (germline): Uncertain significance (1 of 4 stars; one submission).

Conditions:
Hereditary cancer-predisposing syndrome. Also called: Hereditary neoplastic syndrome; Neoplastic Syndromes, Hereditary; Tumor predisposition; Hereditary Cancer Syndrome. Identifiers: Orphanet 140162, MedGen C0027672, MeSH D009386, MONDO:0015356.

Submission:

Ambry Genetics
Classification: Uncertain significance for Hereditary cancer-predisposing syndrome. Last evaluated: 2025-08-27. Review status: criteria provided, single submitter. Criteria: Ambry Variant Classification Scheme 2023. Collection method: clinical testing. Allele origin: germline.
Comment: The p.S254C variant (also known as c.760A>T), located in coding exon 9 of the MUTYH gene, results from an A to T substitution at nucleotide position 760. The serine at codon 254 is replaced by cysteine, an amino acid with dissimilar properties. This amino acid position is conserved. In addition, the in silico prediction for this alteration is inconclusive. Based on the available evidence, the clinical significance of this variant remains unclear.